The following is an entry in ClinVar:

ClinVar aggregate classification (germline): Uncertain significance. Review status: criteria provided, multiple submitters, no conflicts (2 of 4 stars). 2 submissions from 2 submitters: Uncertain significance (2). Last evaluated 2026-04-05.

Conditions:
Tuberous sclerosis 2 (TSC2). Identifiers: Orphanet 805, MedGen C1860707, MONDO:0013199, OMIM 613254.
TSC2-related disorder. Also called: TSC2-Related Disorders; TSC2-related condition.

Submissions (2):

PreventionGenetics, part of Exact Sciences
Classification: Uncertain significance for TSC2-related condition. Last evaluated: 2026-04-05. Review status: criteria provided, single submitter. Criteria: ACMG Guidelines, 2015. Collection method: clinical testing. Allele origin: germline.
Comment: The TSC2 c.4481G>C variant is predicted to result in the amino acid substitution p.Gly1494Ala. To our knowledge, this variant has not been reported in the literature or in a large population database (gnomAD), indicating this variant is rare. At this time, the clinical significance of this variant is uncertain due to the absence of conclusive functional and genetic evidence.

Labcorp Genetics (formerly Invitae), Labcorp
Classification: Uncertain significance for Tuberous sclerosis 2. Last evaluated: 2025-12-08. Review status: criteria provided, single submitter. Criteria: Invitae Variant Classification Sherloc (09022015). Collection method: clinical testing. Allele origin: germline.
Comment: This sequence change replaces glycine, which is neutral and non-polar, with alanine, which is neutral and non-polar, at codon 1494 of the TSC2 protein (p.Gly1494Ala). This variant is not present in population databases (gnomAD no frequency). This variant has not been reported in the literature in individuals affected with TSC2-related conditions. ClinVar contains an entry for this variant (Variation ID: 2096262). Invitae Evidence Modeling of protein sequence and biophysical properties (such as structural, functional, and spatial information, amino acid conservation, physicochemical variation, residue mobility, and thermodynamic stability) indicates that this missense variant is not expected to disrupt TSC2 protein function with a negative predictive value of 95%. In summary, the available evidence is currently insufficient to determine the role of this variant in disease. Therefore, it has been classified as a Variant of Uncertain Significance.

NM_000548.5(TSC2):c.4481G>C (p.Gly1494Ala)

Gene: TSC2 (TSC complex subunit 2; plus strand). Cytogenetic location: 16p13.3.
Variant type: single nucleotide variant.
Coding change: c.4481G>C on transcript NM_000548.5 (MANE Select); coding-DNA position 4481, G replaced by C.
Protein change: p.Gly1494Ala; replaces glycine 1494 with alanine.
Molecular consequence: missense variant.
Genome position (GRCh38, 1-based): chr16:2,084,703, G>C. VCF-style: chr16-2084703-G-C. GRCh37 (hg19) VCF-style: chr16-2134704-G-C.
Other names: c.4403G>C, p.Gly1468Ala (NM_001406665.1); c.4373G>C, p.Gly1458Ala (NM_001406667.1); c.4370G>C, p.Gly1457Ala (NM_001406668.1); c.4301G>C, p.Gly1434Ala (NM_001406670.1); c.4271G>C, p.Gly1424Ala (NM_001406671.1); c.4268G>C, p.Gly1423Ala (NM_001406673.1); c.4265G>C, p.Gly1422Ala (NM_001406675.1); c.4262G>C, p.Gly1421Ala (NM_001406676.1); and 27 more; short protein forms G1003A, G1228A, G1250A, G1274A, G1294A, G1408A, G1422A, G1427A.
Identifiers: ClinVar variation 2096262 (VCV002096262.5), dbSNP rs2544291203, ClinGen allele CA394302570.
Genomic context (GRCh38, chr16:2,084,703, plus strand): 5'-GAGTAGAGAGGGACGCCTTAAAGAGCAGAGCCACAGCCTCCAATGCAGAGAAAGTGCCAG[G>C]CATCAACCCCAGGTGGGCCTCTTGCTTCCGGGCGGGGCTCCTGACACCTCTCCTGCGGGA-3'
Protein context (NP_000539.2, residues 1484-1504): ATASNAEKVP[Gly1494Ala]INPSFVFLQL